The following is an entry in ClinVar:

NM_005732.4(RAD50):c.310C>A (p.Gln104Lys)

Gene: RAD50 (RAD50 double strand break repair protein; plus strand). Cytogenetic location: 5q31.1.
Variant type: single nucleotide variant.
Coding change: c.310C>A on transcript NM_005732.4 (MANE Select); coding-DNA position 310, C replaced by A.
Protein change: p.Gln104Lys; replaces glutamine 104 with lysine.
Molecular consequence: missense variant.
Genome position (GRCh38, 1-based): chr5:132,575,873, C>A. VCF-style: chr5-132575873-C-A. GRCh37 (hg19) VCF-style: chr5-131911565-C-A.
Other names: short protein forms Q104K.
Identifiers: ClinVar variation 2844473 (VCV002844473.3), dbSNP rs1176252211, ClinGen allele CA360931058.

ClinVar aggregate classification (germline): Uncertain significance (1 of 4 stars; one submission).

Conditions:
Hereditary cancer-predisposing syndrome. Also called: Neoplastic Syndromes, Hereditary; Hereditary Cancer Syndrome; Hereditary neoplastic syndrome; Tumor predisposition. Identifiers: Orphanet 140162, MedGen C0027672, MeSH D009386, MONDO:0015356.

Submission:

Labcorp Genetics (formerly Invitae), Labcorp
Classification: Uncertain significance for Hereditary cancer-predisposing syndrome. Last evaluated: 2023-07-12. Review status: criteria provided, single submitter. Criteria: Invitae Variant Classification Sherloc (09022015). Collection method: clinical testing. Allele origin: germline.
Comment: This variant is not present in population databases (gnomAD no frequency). In summary, the available evidence is currently insufficient to determine the role of this variant in disease. Therefore, it has been classified as a Variant of Uncertain Significance. Advanced modeling of protein sequence and biophysical properties (such as structural, functional, and spatial information, amino acid conservation, physicochemical variation, residue mobility, and thermodynamic stability) performed at Invitae indicates that this missense variant is not expected to disrupt RAD50 protein function. This variant has not been reported in the literature in individuals affected with RAD50-related conditions. This sequence change replaces glutamine, which is neutral and polar, with lysine, which is basic and polar, at codon 104 of the RAD50 protein (p.Gln104Lys).